The following is an entry in ClinVar:

ClinVar aggregate classification (germline): Uncertain significance. Review status: criteria provided, multiple submitters, no conflicts (2 of 4 stars). 2 submissions from 2 submitters: Uncertain significance (2). Last evaluated 2025-08-07.

Conditions:
RYR1-related disorder. Also called: RYR1-related disorders; RYR1-related condition. Identifiers: MedGen CN239331.
Malignant hyperthermia, susceptibility to, 1 (MHS1). Also called: RYR1-Related Malignant Hyperthermia Susceptibility; Malignant hyperthermia suceptibility 1; Anesthesia related hyperthermia; Malignant hyperpyrexia; Fulminating hyperpyrexia; Pharmacogenic myopathy. Identifiers: Orphanet 423, MedGen C2930980, MONDO:0007783, OMIM 145600.

Allele frequency attached by ClinVar (database versions not stated): gnomAD exomes below 0.00001.
gnomAD v4.1: 1 of 1,614,050 alleles (0.000062%); highest among the groups gnomAD compares: Non-Finnish European, 0.000085%; no homozygotes.

Submissions (2):

Color Diagnostics, LLC DBA Color Health
Classification: Uncertain significance for Malignant hyperthermia, susceptibility to, 1. Last evaluated: 2025-08-07. Review status: criteria provided, single submitter. Criteria: ACMG Guidelines, 2015. Collection method: clinical testing. Allele origin: germline.
Comment: This variant causes a G to T nucleotide substitution at the +3 position of intron 39/105 of the RYR1 gene. To our knowledge, functional studies have not been reported for this variant. This variant has not been reported in individuals affected with RYR1-related disorders in the literature. This variant has not been identified in the general population by the Genome Aggregation Database (gnomAD). The available evidence is insufficient to determine the role of this variant in disease conclusively. Therefore, this variant is classified as a Variant of Uncertain Significance.

Labcorp Genetics (formerly Invitae), Labcorp
Classification: Uncertain significance for RYR1-related disorder. Last evaluated: 2021-04-04. Review status: criteria provided, single submitter. Criteria: Invitae Variant Classification Sherloc (09022015). Collection method: clinical testing. Allele origin: germline.
Comment: In summary, the available evidence is currently insufficient to determine the role of this variant in disease. Therefore, it has been classified as a Variant of Uncertain Significance. Nucleotide substitutions within the consensus splice site are a relatively common cause of aberrant splicing (PMID: 17576681, 9536098). Algorithms developed to predict the effect of sequence changes on RNA splicing suggest that this variant may disrupt the consensus splice site, but this prediction has not been confirmed by published transcriptional studies. This variant has not been reported in the literature in individuals with RYR1-related conditions. This variant is not present in population databases (ExAC no frequency). This sequence change falls in intron 39 of the RYR1 gene. It does not directly change the encoded amino acid sequence of the RYR1 protein. It affects a nucleotide within the consensus splice site of the intron.

Literature cited by the submitters: PubMed 17576681 (cited by Labcorp Genetics (formerly Invitae), Labcorp); PubMed 9536098 (cited by Labcorp Genetics (formerly Invitae), Labcorp).

NM_000540.3(RYR1):c.6548+3G>T

Gene: RYR1 (ryanodine receptor 1; plus strand). Cytogenetic location: 19q13.2.
Variant type: single nucleotide variant.
Coding change: c.6548+3G>T on transcript NM_000540.3 (MANE Select); 3 bases into the intron after coding-DNA position 6548, G replaced by T.
Molecular consequence: intron variant.
Genome position (GRCh38, 1-based): chr19:38,494,628, G>T. VCF-style: chr19-38494628-G-T. GRCh37 (hg19) VCF-style: chr19-38985268-G-T.
Other names: c.6548+3G>T (NM_001042723.2).
Identifiers: ClinVar variation 1387432 (VCV001387432.6), dbSNP rs2145578882, ClinGen allele CA2573156338.